The following is an entry in ClinVar:

NM_007294.4(BRCA1):c.1130GCA[1] (p.Ser378del)

Gene: BRCA1 (BRCA1 DNA repair associated; minus strand). Cytogenetic location: 17q21.31.
Variant type: Microsatellite.
Coding change: c.1130GCA[1] on transcript NM_007294.4 (MANE Select); one copy of the 3-base unit GCA starting at c.1130; the reference has two copies in a row; one copy, 3 bases deleted.
Protein change: p.Ser378del; deletes serine 378.
Molecular consequence: inframe deletion. On other transcripts: inframe indel (2), intron variant (137).
Genome position (GRCh38, 1-based): chr17:43,094,396-43,094,398, TGC deleted on the plus strand (GCA on the coding strand, the reverse complement: BRCA1 is on the minus strand); deleting any 3 consecutive bases within chr17:43,094,396-43,094,402 gives the same sequence; the position shown is the placement nearest the transcript's 3' end. VCF-style (leftmost placement, unchanged base first): chr17-43094395-ATGC-A. GRCh37 (hg19) VCF-style: chr17-41246412-ATGC-A.
Other names: c.1007GCA[1], p.Ser337del (NM_001407683.1, NM_001407863.1, NM_001407919.1 and 19 more transcripts); c.1130GCA[1], p.Ser378del (NM_001407684.1, NM_001407581.1, NM_001407582.1 and 30 more transcripts); c.1004GCA[1], p.Ser336del (NM_001407685.1, NM_001407686.1, NM_001407687.1 and 11 more transcripts); c.989GCA[1], p.Ser331del (NM_001407692.1, NM_001407694.1, NM_001407695.1 and 29 more transcripts); c.986GCA[1], p.Ser330del (NM_001407740.1, NM_001407741.1, NM_001407742.1 and 20 more transcripts); c.917GCA[1], p.Ser307del (NM_001407571.1, NM_001407853.1, NM_001407894.1 and 9 more transcripts); c.1127GCA[1], p.Ser377del (NM_001407587.1, NM_001407590.1, NM_001407591.1 and 22 more transcripts); c.929GCA[1], p.Ser311del (NM_001407862.1); and 42 more; short protein forms S250del, S290del, S308del, S351del, S377del, S378del, S82del, S210del.
Identifiers: ClinVar variation 3825313 (VCV003825313.1).

ClinVar aggregate classification (germline): Uncertain significance (1 of 4 stars; one submission).

Conditions:
Hereditary cancer-predisposing syndrome. Also called: Hereditary neoplastic syndrome; Neoplastic Syndromes, Hereditary; Tumor predisposition; Hereditary Cancer Syndrome. Identifiers: Orphanet 140162, MedGen C0027672, MeSH D009386, MONDO:0015356.

Submission:

Ambry Genetics
Classification: Uncertain significance for Hereditary cancer-predisposing syndrome. Last evaluated: 2025-02-28. Review status: criteria provided, single submitter. Criteria: Ambry Variant Classification Scheme 2023. Collection method: clinical testing. Allele origin: germline.
Comment: The c.1133_1135delGCA variant (also known as p.S378del) is located in coding exon 9 of the BRCA1 gene. This variant results from an in-frame GCA deletion at nucleotide positions 1133 to 1135. This results in the in-frame deletion of a serine at codon 378. This amino acid position is highly conserved in available vertebrate species. In addition, this alteration is predicted to be deleterious by in silico analysis (Choi Y et al. PLoS ONE. 2012; 7(10):e46688). Based on the available evidence, the clinical significance of this variant remains unclear.